The following is an entry in ClinVar:

NM_004614.5(TK2):c.692C>T (p.Pro231Leu)

Gene: TK2 (thymidine kinase 2; minus strand). Cytogenetic location: 16q21.
Variant type: single nucleotide variant.
Coding change: c.692C>T on transcript NM_004614.5 (MANE Select); coding-DNA position 692, C replaced by T.
Protein change: p.Pro231Leu; replaces proline 231 with leucine.
Molecular consequence: missense variant. On other transcripts: synonymous variant (1), non-coding transcript variant (1).
Genome position (GRCh38, 1-based): chr16:66,513,738, G>A on the plus strand (C>T on the coding strand, the complement: TK2 is on the minus strand). VCF-style: chr16-66513738-G-A. GRCh37 (hg19) VCF-style: chr16-66547641-G-A.
Other names: c.599C>T, p.Pro200Leu (NM_001172643.1); c.617C>T, p.Pro206Leu (NM_001172644.2); c.638C>T, p.Pro213Leu (NM_001172645.2); c.545C>T, p.Pro182Leu (NM_001271934.2); c.430C>T, p.Leu144= (NM_001271935.1); c.401C>T, p.Pro134Leu (NM_001272050.2); short protein forms P134L, P182L, P200L, P206L, P213L, P231L.
Identifiers: ClinVar variation 1686261 (VCV001686261.2), dbSNP rs2144339570, ClinGen allele CA396187039.

ClinVar aggregate classification (germline): Conflicting classifications of pathogenicity. Review status: criteria provided, conflicting classifications (1 of 4 stars). 2 submissions from 2 submitters: Pathogenic (1); Uncertain significance (1). Last evaluated 2025-11-24.

Conditions:
Mitochondrial DNA depletion syndrome, myopathic form (MTDPS2). Also called: TK2-Related Mitochondrial DNA Maintenance Defect, Myopathic Form; MITOCHONDRIAL DNA DEPLETION MYOPATHY, TK2-RELATED; MITOCHONDRIAL DNA DEPLETION SYNDROME 2 (MYOPATHIC TYPE). Identifiers: Orphanet 254875, MedGen C3149750, MONDO:0012301, OMIM 609560.
Mitochondrial disease. Also called: Mitochondrial disorder; Mitochondrial disorders. Identifiers: Orphanet 68380, MedGen C0751651, MeSH D028361, MONDO:0044970.

Submissions (2):

Genomenon, Inc
Classification: Uncertain significance for Mitochondrial disease. Last evaluated: 2025-11-24. Review status: criteria provided, single submitter. Criteria: Genomenon Sequence Variant Interpretation Standards - Updated. Collection method: curation. Allele origin: germline. Affected: yes.
Comment: TK2 p.Pro231Leu (c.692C>T) is a missense variant that changes the amino acid at residue 231 from Proline to Leucine. This variant has been observed in a proband affected with mitochondrial disease in the compound heterozygous state (40089535). This variant is not present at a significant frequency in gnomAD, and in silico models agree that this variant is possibly or probably damaging. In conclusion, we classify TK2 p.Pro231Leu (c.692C>T) as a variant of uncertain significance.

Mendelics
Classification: Pathogenic for Mitochondrial DNA depletion syndrome, myopathic form. Last evaluated: 2022-05-04. Review status: criteria provided, single submitter. Criteria: Mendelics Assertion Criteria 2019. Collection method: clinical testing. Allele origin: germline.

Literature cited by the submitters: PubMed 40089535 (cited by Genomenon, Inc).